The following is an entry in ClinVar:

NM_001370259.2(MEN1):c.1658T>A (p.Phe553Tyr)

Gene: MEN1 (menin 1; minus strand). Cytogenetic location: 11q13.1.
Variant type: single nucleotide variant.
Coding change: c.1658T>A on transcript NM_001370259.2 (MANE Select); coding-DNA position 1658, T replaced by A.
Protein change: p.Phe553Tyr; replaces phenylalanine 553 with tyrosine.
Molecular consequence: missense variant.
Genome position (GRCh38, 1-based): chr11:64,804,509, A>T on the plus strand (T>A on the coding strand, the complement: MEN1 is on the minus strand). VCF-style: chr11-64804509-A-T. GRCh37 (hg19) VCF-style: chr11-64571981-A-T.
Other names: c.1673T>A, p.Phe558Tyr (NM_000244.4, NM_001407145.1, NM_130800.3 and 4 more transcripts); c.1784T>A, p.Phe595Tyr (NM_001370251.2, NM_001407142.1, NM_001407143.1 and 1 more transcripts); c.1658T>A, p.Phe553Tyr (NM_001370260.2, NM_001370261.2, NM_001407146.1 and 2 more transcripts); c.1553T>A, p.Phe518Tyr (NM_001370262.2, NM_001370263.2, NM_001407148.1 and 1 more transcripts); c.1799T>A, p.Phe600Tyr (NM_001407150.1); c.1679T>A, p.Phe560Tyr (NM_001407151.1); c.1493T>A, p.Phe498Tyr (NM_001407152.1); short protein forms F498Y, F518Y, F553Y, F558Y, F560Y, F595Y, F600Y.
Identifiers: ClinVar variation 2116884 (VCV002116884.5), dbSNP rs2136081193, ClinGen allele CA381177830.

ClinVar aggregate classification (germline): Uncertain significance. Review status: criteria provided, multiple submitters, no conflicts (2 of 4 stars). 2 submissions from 2 submitters: Uncertain significance (2). Last evaluated 2023-08-15.

Conditions:
Multiple endocrine neoplasia, type 1 (MEN1). Also called: MEN I; WERMER SYNDROME; Endocrine adenomatosis multiple; MEN 1; MEA I. Identifiers: Orphanet 652, MedGen C0025267, MeSH D018761, MONDO:0007540, OMIM 131100.

Submissions (2):

All of Us Research Program, National Institutes of Health
Classification: Uncertain significance for Multiple endocrine neoplasia, type 1. Last evaluated: 2023-08-15. Review status: criteria provided, single submitter. Criteria: ACMG Guidelines, 2015. Collection method: clinical testing. Allele origin: germline. Inheritance: Autosomal dominant inheritance. Observed: 1 variant allele, 1 heterozygote.
Comment: This study involves interpretation of variants in research participants for the purpose of population health screening. Participant phenotype was not available at the time of variant classification. Additional details can be found in publication PMID: 35346344, PMCID: PMC8962531

Labcorp Genetics (formerly Invitae), Labcorp
Classification: Uncertain significance for Multiple endocrine neoplasia, type 1. Last evaluated: 2022-09-19. Review status: criteria provided, single submitter. Criteria: Invitae Variant Classification Sherloc (09022015). Collection method: clinical testing. Allele origin: germline.
Comment: This sequence change replaces phenylalanine, which is neutral and non-polar, with tyrosine, which is neutral and polar, at codon 553 of the MEN1 protein (p.Phe553Tyr). This variant is not present in population databases (gnomAD no frequency). This variant has not been reported in the literature in individuals affected with MEN1-related conditions. Advanced modeling of protein sequence and biophysical properties (such as structural, functional, and spatial information, amino acid conservation, physicochemical variation, residue mobility, and thermodynamic stability) performed at Invitae indicates that this missense variant is expected to disrupt MEN1 protein function. In summary, the available evidence is currently insufficient to determine the role of this variant in disease. Therefore, it has been classified as a Variant of Uncertain Significance.